The following is an entry in ClinVar:

ClinVar aggregate classification (germline): Uncertain significance. Review status: criteria provided, multiple submitters, no conflicts (2 of 4 stars). 2 submissions from 2 submitters: Uncertain significance (2). Last evaluated 2026-03-19.

Conditions:
APC-related disorder. Also called: APC-related condition.
Familial adenomatous polyposis 1 (FAP1). Also called: FAMILIAL ADENOMATOUS POLYPOSIS 1, ATTENUATED; POLYPOSIS, ADENOMATOUS INTESTINAL. Identifiers: MedGen C2713442, MONDO:0021056, OMIM 175100. Disease mechanism: loss of function.

Allele frequency attached by ClinVar (database versions not stated): TOPMed 0.00003.

Submissions (2):

PreventionGenetics, part of Exact Sciences
Classification: Uncertain significance for APC-related condition. Last evaluated: 2026-03-19. Review status: criteria provided, single submitter. Criteria: ACMG Guidelines, 2015. Collection method: clinical testing. Allele origin: germline.
Comment: The APC c.-30568T>G variant is located in the 5' untranslated region. This variant is also known as c.-342T>G under the promoter 1B transcript (NM_001127511). To our knowledge, this variant has not been reported in the literature or in a large population database (gnomAD), indicating this variant is rare. This variant is interpreted as uncertain in ClinVar (Variation ID: 1018456). At this time, the clinical significance of this variant is uncertain due to the absence of conclusive functional and genetic evidence.

Labcorp Genetics (formerly Invitae), Labcorp
Classification: Uncertain significance for Familial adenomatous polyposis 1. Last evaluated: 2026-01-14. Review status: criteria provided, single submitter. Criteria: Invitae Variant Classification Sherloc (09022015). Collection method: clinical testing. Allele origin: germline.
Comment: This variant occurs in a non-coding region of the APC gene. It does not change the encoded amino acid sequence of the APC protein. This variant is not present in population databases (gnomAD no frequency). This variant has not been reported in the literature in individuals affected with APC-related conditions. Experimental studies and prediction algorithms are not available or were not evaluated, and the functional significance of this variant is currently unknown. In summary, the available evidence is currently insufficient to determine the role of this variant in disease. Therefore, it has been classified as a Variant of Uncertain Significance.

NC_000005.10:g.112707376T>G

Gene: APC (APC regulator of Wnt signaling pathway; plus strand). Cytogenetic location: 5q22.2.
Variant type: single nucleotide variant.
Genome position: GRCh38 VCF-style: chr5-112707376-T-G. GRCh37 (hg19) VCF-style: chr5-112043073-T-G.
Identifiers: ClinVar variation 1018456 (VCV001018456.9), dbSNP rs1218378018, ClinGen allele CA802056829.